The following is an entry in ClinVar:

ClinVar aggregate classification (germline): Uncertain significance (1 of 4 stars; one submission).

Conditions:
Neuropathy, hereditary sensory and autonomic, type 2A (HSAN2A). Also called: ACROOSTEOLYSIS, GIACCAI TYPE; ACROOSTEOLYSIS, NEUROGENIC; MORVAN DISEASE; NEUROPATHY, CONGENITAL SENSORY; NEUROPATHY, HEREDITARY SENSORY RADICULAR, AUTOSOMAL RECESSIVE; NEUROPATHY, HEREDITARY SENSORY, TYPE IIA. Identifiers: Orphanet 970, MedGen C2752089, MONDO:0024309, OMIM 201300.
Generalized epilepsy with febrile seizures plus, type 7 (GEFSP7). Also called: GEFS+, TYPE 7. Identifiers: Orphanet 36387, MedGen C2751778, MONDO:0013470, OMIM 613863.

Submission:

Labcorp Genetics (formerly Invitae), Labcorp
Classification: Uncertain significance for Neuropathy, hereditary sensory and autonomic, type 2A; Generalized epilepsy with febrile seizures plus, type 7. Last evaluated: 2023-08-24. Review status: criteria provided, single submitter. Criteria: Invitae Variant Classification Sherloc (09022015). Collection method: clinical testing. Allele origin: germline.
Comment: This variant has not been reported in the literature in individuals affected with SCN9A-related conditions. This sequence change replaces arginine, which is basic and polar, with lysine, which is basic and polar, at codon 584 of the SCN9A protein (p.Arg584Lys). This variant is not present in population databases (gnomAD no frequency). Advanced modeling of protein sequence and biophysical properties (such as structural, functional, and spatial information, amino acid conservation, physicochemical variation, residue mobility, and thermodynamic stability) performed at Invitae indicates that this missense variant is not expected to disrupt SCN9A protein function. In summary, the available evidence is currently insufficient to determine the role of this variant in disease. Therefore, it has been classified as a Variant of Uncertain Significance.

NM_001365536.1(SCN9A):c.1751G>A (p.Arg584Lys)

Genes: SCN9A (sodium voltage-gated channel alpha subunit 9; minus strand), SCN1A-AS1 (SCN1A and SCN9A antisense RNA 1; plus strand). Cytogenetic location: 2q24.3.
Variant type: single nucleotide variant.
Coding change: c.1751G>A on transcript NM_001365536.1 (MANE Select); coding-DNA position 1751, G replaced by A.
Protein change: p.Arg584Lys; replaces arginine 584 with lysine.
Molecular consequence: missense variant.
Genome position (GRCh38, 1-based): chr2:166,284,676, C>T on the plus strand (G>A on the coding strand, the complement: SCN9A is on the minus strand). VCF-style: chr2-166284676-C-T. GRCh37 (hg19) VCF-style: chr2-167141186-C-T.
Other names: c.1751G>A, p.Arg584Lys (NM_002977.4); short protein forms R584K.
Identifiers: ClinVar variation 2937882 (VCV002937882.3), dbSNP rs2468033953, ClinGen allele CA349083629.